The following is an entry in ClinVar:

NM_000186.4(CFH):c.2797T>A (p.Ser933Thr)

Gene: CFH (complement factor H; plus strand). Cytogenetic location: 1q31.3.
Variant type: single nucleotide variant.
Coding change: c.2797T>A on transcript NM_000186.4 (MANE Select); coding-DNA position 2797, T replaced by A.
Protein change: p.Ser933Thr; replaces serine 933 with threonine.
Molecular consequence: missense variant.
Genome position (GRCh38, 1-based): chr1:196,740,633, T>A. VCF-style: chr1-196740633-T-A. GRCh37 (hg19) VCF-style: chr1-196709763-T-A.
Other names: short protein forms S933T.
Identifiers: ClinVar variation 2777835 (VCV002777835.3), dbSNP rs2529541326, ClinGen allele CA343980959.

ClinVar aggregate classification (germline): Uncertain significance (1 of 4 stars; one submission).

Submission:

Labcorp Genetics (formerly Invitae), Labcorp
Classification: Uncertain significance. Last evaluated: 2023-07-18. Review status: criteria provided, single submitter. Criteria: Invitae Variant Classification Sherloc (09022015). Collection method: clinical testing. Allele origin: germline.
Comment: In summary, the available evidence is currently insufficient to determine the role of this variant in disease. Therefore, it has been classified as a Variant of Uncertain Significance. An algorithm developed to predict the effect of missense changes on protein structure and function (PolyPhen-2) suggests that this variant is likely to be tolerated. This variant has not been reported in the literature in individuals affected with CFH-related conditions. This variant is not present in population databases (gnomAD no frequency). This sequence change replaces serine, which is neutral and polar, with threonine, which is neutral and polar, at codon 933 of the CFH protein (p.Ser933Thr).